The following is an entry in ClinVar:

ClinVar aggregate classification (germline): Uncertain significance (1 of 4 stars; one submission).

Allele frequency attached by ClinVar (database versions not stated): ExAC 0.00001; gnomAD exomes 0.00001.
gnomAD v4.1: 4 of 1,614,212 alleles (0.00025%); highest among the groups gnomAD compares: Non-Finnish European, 0.00034%; no homozygotes.

Submission:

Labcorp Genetics (formerly Invitae), Labcorp
Classification: Uncertain significance. Last evaluated: 2022-11-01. Review status: criteria provided, single submitter. Criteria: Invitae Variant Classification Sherloc (09022015). Collection method: clinical testing. Allele origin: germline.
Comment: This variant is present in population databases (rs764100421, gnomAD 0.002%). In summary, the available evidence is currently insufficient to determine the role of this variant in disease. Therefore, it has been classified as a Variant of Uncertain Significance. Advanced modeling of protein sequence and biophysical properties (such as structural, functional, and spatial information, amino acid conservation, physicochemical variation, residue mobility, and thermodynamic stability) has been performed at Invitae for this missense variant, however the output from this modeling did not meet the statistical confidence thresholds required to predict the impact of this variant on LRP5 protein function. ClinVar contains an entry for this variant (Variation ID: 1414112). This variant has not been reported in the literature in individuals affected with LRP5-related conditions. This sequence change replaces glycine, which is neutral and non-polar, with alanine, which is neutral and non-polar, at codon 1055 of the LRP5 protein (p.Gly1055Ala).

NM_002335.4(LRP5):c.3164G>C (p.Gly1055Ala)

Gene: LRP5 (LDL receptor related protein 5; plus strand). Cytogenetic location: 11q13.2.
Variant type: single nucleotide variant.
Coding change: c.3164G>C on transcript NM_002335.4 (MANE Select); coding-DNA position 3164, G replaced by C.
Protein change: p.Gly1055Ala; replaces glycine 1055 with alanine.
Molecular consequence: missense variant.
Genome position (GRCh38, 1-based): chr11:68,423,625, G>C. VCF-style: chr11-68423625-G-C. GRCh37 (hg19) VCF-style: chr11-68191093-G-C.
Other names: c.1421G>C, p.Gly474Ala (NM_001291902.2); short protein forms G1055A, G474A.
Identifiers: ClinVar variation 1414112 (VCV001414112.8), dbSNP rs764100421, ClinGen allele CA6149863.
Genomic context (GRCh38, chr11:68,423,625, plus strand): 5'-GCCGGACACTGTTCTGGACGTGCGAGGCCACCAATACCATCAACGTCCACAGGCTGAGCG[G>C]GGAAGCCATGGGGGTGGTGCTGCGTGGGGACCGCGACAAGCCCAGGGCCATCGTCGTCAA-3'
Protein context (NP_002326.2, residues 1045-1065): TNTINVHRLS[Gly1055Ala]EAMGVVLRGD